The following is an entry in ClinVar:

NM_000717.5(CA4):c.839C>T (p.Thr280Met)

Gene: CA4 (carbonic anhydrase 4; plus strand). Cytogenetic location: 17q23.1.
Variant type: single nucleotide variant.
Coding change: c.839C>T on transcript NM_000717.5 (MANE Select); coding-DNA position 839, C replaced by T.
Protein change: p.Thr280Met; replaces threonine 280 with methionine.
Molecular consequence: missense variant. On other transcripts: non-coding transcript variant (1).
Genome position (GRCh38, 1-based): chr17:60,159,324, C>T. VCF-style: chr17-60159324-C-T. GRCh37 (hg19) VCF-style: chr17-58236685-C-T.
Other names: c.839C>T (NM_000717.3); short protein forms T280M.
Identifiers: ClinVar variation 1981019 (VCV001981019.5), dbSNP rs377145857, ClinGen allele CA8685555.
Genomic context (GRCh38, chr17:60,159,324, plus strand): 5'-AGGAACAGACAGTGAGCATGAAGGACAATGTCAGGCCCCTGCAGCAGCTGGGGCAGCGCA[C>T]GGTGATAAAGTCCGGGGCCCCGGGTCGGCCGCTGCCCTGGGCCCTGCCTGCCCTGCTGGG-3'
Protein context (NP_000708.1, residues 270-290): VRPLQQLGQR[Thr280Met]VIKSGAPGRP

ClinVar aggregate classification (germline): Uncertain significance. Review status: criteria provided, multiple submitters, no conflicts (2 of 4 stars). 2 submissions from 2 submitters: Uncertain significance (2). Last evaluated 2024-09-26.

Allele frequency attached by ClinVar (database versions not stated): ExAC 0.00001; gnomAD 0.00003; TOPMed 0.00006; ESP Exome Variant Server 0.00008.
gnomAD v4.1: 42 of 1,609,426 alleles (0.0026%); highest among the groups gnomAD compares: African/African-American, 0.0067%; no homozygotes.

Submissions (2):

Ambry Genetics
Classification: Uncertain significance. Last evaluated: 2024-09-26. Review status: criteria provided, single submitter. Criteria: Ambry Variant Classification Scheme 2023. Collection method: clinical testing. Allele origin: germline.

Labcorp Genetics (formerly Invitae), Labcorp
Classification: Uncertain significance. Last evaluated: 2022-10-16. Review status: criteria provided, single submitter. Criteria: Invitae Variant Classification Sherloc (09022015). Collection method: clinical testing. Allele origin: germline.
Comment: This variant is present in population databases (rs377145857, gnomAD 0.01%). In summary, the available evidence is currently insufficient to determine the role of this variant in disease. Therefore, it has been classified as a Variant of Uncertain Significance. Advanced modeling of protein sequence and biophysical properties (such as structural, functional, and spatial information, amino acid conservation, physicochemical variation, residue mobility, and thermodynamic stability) performed at Invitae indicates that this missense variant is not expected to disrupt CA4 protein function. This variant has not been reported in the literature in individuals affected with CA4-related conditions. This sequence change replaces threonine, which is neutral and polar, with methionine, which is neutral and non-polar, at codon 280 of the CA4 protein (p.Thr280Met).